The following is an entry in ClinVar:

ClinVar aggregate classification (germline): Uncertain significance (1 of 4 stars; one submission).

Conditions:
Fanconi anemia (FA). Also called: Fanconi's anemia. Identifiers: Orphanet 84, MedGen C0015625, MeSH D005199, MONDO:0019391.

gnomAD v4.1: 1 of 1,613,854 alleles (0.000062%); highest among the groups gnomAD compares: African/African-American, 0.0013%; no homozygotes.

Submission:

Labcorp Genetics (formerly Invitae), Labcorp
Classification: Uncertain significance for Fanconi anemia. Last evaluated: 2024-07-31. Review status: criteria provided, single submitter. Criteria: Invitae Variant Classification Sherloc (09022015). Collection method: clinical testing. Allele origin: germline.
Comment: This sequence change replaces arginine, which is basic and polar, with leucine, which is neutral and non-polar, at codon 1814 of the SLX4 protein (p.Arg1814Leu). This variant is not present in population databases (gnomAD no frequency). This variant has not been reported in the literature in individuals affected with SLX4-related conditions. An algorithm developed to predict the effect of missense changes on protein structure and function (PolyPhen-2) suggests that this variant is likely to be disruptive. In summary, the available evidence is currently insufficient to determine the role of this variant in disease. Therefore, it has been classified as a Variant of Uncertain Significance.

NM_032444.4(SLX4):c.5441G>T (p.Arg1814Leu)

Gene: SLX4 (SLX4 structure-specific endonuclease subunit; minus strand). Cytogenetic location: 16p13.3.
Variant type: single nucleotide variant.
Coding change: c.5441G>T on transcript NM_032444.4 (MANE Select); coding-DNA position 5441, G replaced by T.
Protein change: p.Arg1814Leu; replaces arginine 1814 with leucine.
Molecular consequence: missense variant.
Genome position (GRCh38, 1-based): chr16:3,582,406, C>A on the plus strand (G>T on the coding strand, the complement: SLX4 is on the minus strand). VCF-style: chr16-3582406-C-A. GRCh37 (hg19) VCF-style: chr16-3632407-C-A.
Other names: short protein forms R1814L.
Identifiers: ClinVar variation 3706810 (VCV003706810.2).